The following is an entry in ClinVar:

ClinVar aggregate classification (germline): Pathogenic (1 of 4 stars; one submission).

Conditions:
Loeys-Dietz syndrome 4 (LDS4). Also called: ANEURYSM, AORTIC AND CEREBRAL, WITH ARTERIAL TORTUOSITY AND SKELETAL MANIFESTATIONS; TGFB2-Related Loeys-Dietz Syndrome. Identifiers: MedGen C3553762, MONDO:0013897, OMIM 614816.

Submission:

Labcorp Genetics (formerly Invitae), Labcorp
Classification: Pathogenic for Loeys-Dietz syndrome 4. Last evaluated: 2021-12-17. Review status: criteria provided, single submitter. Criteria: Invitae Variant Classification Sherloc (09022015). Collection method: clinical testing. Allele origin: germline.
Comment: For these reasons, this variant has been classified as Pathogenic. This variant has not been reported in the literature in individuals affected with TGFB2-related conditions. This variant is not present in population databases (gnomAD no frequency). This sequence change creates a premature translational stop signal (p.Arg290Lysfs*3) in the TGFB2 gene. It is expected to result in an absent or disrupted protein product. Loss-of-function variants in TGFB2 are known to be pathogenic (PMID: 22772368, 22772371, 30739908).

Literature cited by the submitters: PubMed 22772368; PubMed 22772371; PubMed 30739908.

NM_003238.6(TGFB2):c.868dup (p.Arg290fs)

Gene: TGFB2 (transforming growth factor beta 2; plus strand). Cytogenetic location: 1q41.
Variant type: Duplication.
Coding change: c.868dup on transcript NM_003238.6 (MANE Select); coding-DNA position 868, one base duplicated (A; older notation c.868dupA).
Protein change: p.Arg290fs; shifts the reading frame from arginine 290.
Molecular consequence: frameshift variant.
Genome position (GRCh38, 1-based): chr1:218,436,083, A duplicated. VCF-style (leftmost placement, unchanged base first): chr1-218436082-C-CA. GRCh37 (hg19) VCF-style: chr1-218609424-C-CA.
Other names: c.952dup, p.Arg318fs (NM_001135599.4); short protein forms R290fs, R318fs.
Identifiers: ClinVar variation 1458546 (VCV001458546.6), dbSNP rs2102628609, ClinGen allele CA2573132669.
Genomic context (GRCh38, chr1:218,436,082, plus strand): 5'-CACTAGGAAAAAAAACAGTGGGAAGACCCCACATCTCCTGCTAATGTTATTGCCCTCCTA[C>CA]AGACTTGAGTCACAACAGACCAACCGGCGGAAGAAGCGTGCTTTGGATGCGGCCTATTGC-3'